The following is an entry in ClinVar:

ClinVar aggregate classification (germline): Pathogenic/Likely pathogenic. Review status: criteria provided, multiple submitters, no conflicts (2 of 4 stars). 12 submissions from 12 submitters: Pathogenic (7); Likely pathogenic (4). 1 of the submissions does not count toward it. Last evaluated 2026-01-11.

Conditions:
Pyruvate dehydrogenase complex deficiency (PDHC). Also called: PDH DEFICIENCY; PYRUVATE DECARBOXYLASE DEFICIENCY; Pyruvate dehydrogenase deficiency; Ataxia with lactic acidosis 1; Pyruvate Dehydrogenase Complex Deficiency Disease. Identifiers: Orphanet 765, Orphanet 79243, MedGen C0034345, MONDO:0019169.
Pyruvate dehydrogenase E1-alpha deficiency (PDHAD). Also called: ATAXIA, INTERMITTENT, WITH PYRUVATE DEHYDROGENASE DEFICIENCY; ATAXIA WITH LACTIC ACIDOSIS I; ATAXIA, INTERMITTENT, WITH ABNORMAL PYRUVATE METABOLISM; Ataxia, intermittent, with pyruvate dehydrogenase, or decarboxylase, deficiency. Identifiers: Orphanet 79243, MedGen C1839413, MONDO:0010717, OMIM 312170.

Submissions (12):

Variantyx, Inc.
Classification: Likely pathogenic for Pyruvate dehydrogenase E1-alpha deficiency. Last evaluated: 2026-01-11. Review status: criteria provided, single submitter. Criteria: Variantyx Assertion Criteria 2022. Collection method: clinical testing. Allele origin: maternal. Inheritance: X-linked dominant inheritance. Affected: yes.
Comment: This is a nonsynonymous variant in the PDHA1 gene (OMIM: 300502). Pathogenic variants in this gene have been associated with X-linked pyruvate dehydrogenase E1-alpha deficiency. The clinical family history of this individual is highly specific for X-linked pyruvate dehydrogenase E1-alpha deficiency, which has a limited genetic etiology (PMID: 32445240) (PP4). This variant lies within a known hotspot for pathogenic variants or a well-established critical functional domain of the PDHA1 protein (PM1), and multiple computational algorithms predict a deleterious effect for this variant (REVEL score: 0.821) (PP3). This variant is absent from control populations (PM2_Moderate). Based on the current evidence, this variant is classified as likely pathogenic for X-linked pyruvate dehydrogenase E1-alpha deficiency.

Genomic Medicine Center of Excellence, King Faisal Specialist Hospital and Research Centre
Classification: Pathogenic for Pyruvate dehydrogenase E1-alpha deficiency. Last evaluated: 2024-10-07. Review status: criteria provided, single submitter. Criteria: ACMG Guidelines, 2015. Collection method: clinical testing. Allele origin: germline.

Labcorp Genetics (formerly Invitae), Labcorp
Classification: Pathogenic for Pyruvate dehydrogenase E1-alpha deficiency. Last evaluated: 2023-05-30. Review status: criteria provided, single submitter. Criteria: Invitae Variant Classification Sherloc (09022015). Collection method: clinical testing. Allele origin: germline.
Comment: For these reasons, this variant has been classified as Pathogenic. Advanced modeling of protein sequence and biophysical properties (such as structural, functional, and spatial information, amino acid conservation, physicochemical variation, residue mobility, and thermodynamic stability) performed at Invitae indicates that this missense variant is expected to disrupt PDHA1 protein function. ClinVar contains an entry for this variant (Variation ID: 488569). This missense change has been observed in individual(s) with Leigh syndrome and/or pyruvate dehydrogenase deficiency (PMID: 10679936, 32445240). This variant is not present in population databases (gnomAD no frequency). This sequence change replaces asparagine, which is neutral and polar, with serine, which is neutral and polar, at codon 164 of the PDHA1 protein (p.Asn164Ser).

MGZ Medical Genetics Center
Classification: Likely pathogenic for Pyruvate dehydrogenase E1-alpha deficiency. Last evaluated: 2022-08-02. Review status: criteria provided, single submitter. Criteria: ACMG Guidelines, 2015. Collection method: clinical testing. Allele origin: germline. Affected: yes. Observed: 2 variant alleles.
Comment: ACMG criteria applied: PS4, PS3_MOD, PM2_SUP, PP3

GeneDx
Classification: Pathogenic. Last evaluated: 2022-05-25. Review status: criteria provided, single submitter. Criteria: GeneDx Variant Classification Process June 2021. Collection method: clinical testing. Allele origin: germline. Affected: yes.
Comment: Not observed at significant frequency in large population cohorts (gnomAD); In silico analysis supports that this missense variant has a deleterious effect on protein structure/function; This variant is associated with the following publications: (PMID: 25978847, 32445240, 10679936)

Women's Health and Genetics/Laboratory Corporation of America, LabCorp
Classification: Pathogenic for Pyruvate dehydrogenase complex deficiency. Last evaluated: 2022-01-13. Review status: criteria provided, single submitter. Criteria: LabCorp Variant Classification Summary - May 2015. Collection method: clinical testing. Allele origin: germline.
Comment: Variant summary: PDHA1 c.491A>G (p.Asn164Ser) results in a conservative amino acid change in the encoded protein sequence. Four of five in-silico tools predict a damaging effect of the variant on protein function. The variant was absent in 183518 control chromosomes (gnomAD). c.491A>G has been reported in the literature in multiple male individuals affected with Pyruvate Dehydrogenase Deficiency (e.g. Lissens_2000, DeBrosse_2012, Shin_2017). These data indicate that the variant is very likely to be associated with disease. These publications also reported enzymatic measurements from patient derived fibroblasts, and demonstrated low activities (Lissens_2000, Shin_2017). Five clinical diagnostic laboratories have submitted clinical-significance assessments for this variant to ClinVar after 2014 without evidence for independent evaluation. All laboratories classified the variant as pathogenic (n=3) / likely pathogenic (n=2). Based on the evidence outlined above, the variant was classified as pathogenic.

Institute of Medical Genetics and Applied Genomics, University Hospital Tübingen
Classification: Likely pathogenic. Last evaluated: 2020-10-23. Review status: criteria provided, single submitter. Criteria: ACMG Guidelines, 2015. Collection method: clinical testing. Allele origin: germline. Inheritance: Unknown mechanism. Affected: yes.

Baylor Genetics
Classification: Pathogenic for Pyruvate dehydrogenase E1-alpha deficiency. Last evaluated: 2020-05-05. Review status: criteria provided, single submitter. Criteria: ACMG Guidelines, 2015. Collection method: clinical testing. Allele origin: unknown. Affected: yes.
Comment: This variant was determined to be pathogenic according to ACMG Guidelines, 2015 [PMID:25741868].

CeGaT Center for Human Genetics Tuebingen
Classification: Pathogenic. Last evaluated: 2019-11-01. Review status: criteria provided, single submitter. Criteria: CeGaT Center For Human Genetics Tuebingen Variant Classification Criteria Version 2. Collection method: clinical testing. Allele origin: germline. Affected: yes. Observed: 1 variant allele.

Revvity Omics, Revvity
Classification: Likely pathogenic for Pyruvate dehydrogenase E1-alpha deficiency. Last evaluated: 2019-06-11. Review status: criteria provided, single submitter. Criteria: ACMG Guidelines, 2015. Collection method: clinical testing. Allele origin: germline.

Institute of Human Genetics Munich, TUM University Hospital
Classification: Pathogenic for Pyruvate dehydrogenase E1-alpha deficiency. Last evaluated: 2017-12-09. Review status: criteria provided, single submitter. Criteria: Classification criteria August 2017. Collection method: clinical testing. Allele origin: germline. Inheritance: X-linked inheritance. Affected: yes. Observed: 1 hemizygote.

PDHA1 Study Group, University Children’s Hospital, Paracelsus Medical University
Classification: Likely pathogenic for Pyruvate dehydrogenase E1-alpha deficiency. Last evaluated: 2024-10-15. Review status: no assertion criteria provided. Collection method: research. Allele origin: de novo. Affected: yes. Observed: 33 variant alleles. Not counted in ClinVar's aggregate classification.
Comment: The NM_000284.3:c.491A>G (p.Asn164Ser) substitution is a missense variant in the PDHA1 gene. This variant is absent or extremely rare in population-based cohorts in the Genome Aggregation Database (gnomAD). In total, 33 individuals diagnosed with PDHA1-related pyruvate dehydrogenase complex (PDHc) deficiency (MIM #312170) harbor this variant, including 26 males and 6 females. Among these, 9 cases have confirmed de novo occurrence, and 6 are confirmed inherited. The variant is reported in 8 published cases (PMIDs: 10679936, 11870584, 15384102, 23021068, 28918066), with an additional 25 unpublished cases from internal data. The last literature search is conducted on July 12, 2024. Individuals present with clinical features consistent with PDHA1-related PDHc deficiency. Based on the ACMG/AMP criteria applied (PM1, PM2, PM7, PP3), this variant is classified as likely pathogenic (LP) (last assessment October 15, 2024).

Literature cited by the submitters: PubMed 32445240 (cited by Variantyx, Inc. and Labcorp Genetics (formerly Invitae), Labcorp); PubMed 10679936 (cited by 3 submitters); PubMed 23021068 (cited by Women's Health and Genetics/Laboratory Corporation of America, LabCorp and PDHA1 Study Group, University Children’s Hospital, Paracelsus Medical University); PubMed 28918066 (cited by Women's Health and Genetics/Laboratory Corporation of America, LabCorp and PDHA1 Study Group, University Children’s Hospital, Paracelsus Medical University); PubMed 11870584 (cited by PDHA1 Study Group, University Children’s Hospital, Paracelsus Medical University); PubMed 15384102 (cited by PDHA1 Study Group, University Children’s Hospital, Paracelsus Medical University); DOI 10.1093/brain/awaf430 (cited by PDHA1 Study Group, University Children’s Hospital, Paracelsus Medical University).

NM_000284.4(PDHA1):c.491A>G (p.Asn164Ser)

Gene: PDHA1 (pyruvate dehydrogenase E1 subunit alpha 1; plus strand). Cytogenetic location: Xp22.12.
Variant type: single nucleotide variant.
Coding change: c.491A>G on transcript NM_000284.4 (MANE Select); coding-DNA position 491, A replaced by G.
Protein change: p.Asn164Ser; replaces asparagine 164 with serine.
Molecular consequence: missense variant.
Genome position (GRCh38, 1-based): chrX:19,353,154, A>G. VCF-style: chrX-19353154-A-G. GRCh37 (hg19) VCF-style: chrX-19371272-A-G.
Other names: c.605A>G, p.Asn202Ser (NM_001173454.2); c.512A>G, p.Asn171Ser (NM_001173455.2); c.491A>G, p.Asn164Ser (NM_001173456.2); short protein forms N164S, N202S, N171S.
Identifiers: ClinVar variation 488569 (VCV000488569.58), dbSNP rs1555933963, ClinGen allele CA412393370.